The following is an entry in ClinVar:

ClinVar aggregate classification (germline): Uncertain significance (1 of 4 stars; one submission).

Conditions:
Hereditary pancreatitis (PCTT). Also called: Hereditary chronic pancreatitis; PRSS1-Related Hereditary Pancreatitis. Identifiers: Orphanet 676, MedGen C0238339, MONDO:0008185, OMIM 167800.

gnomAD v4.1: 1 of 1,614,148 alleles (0.000062%); highest among the groups gnomAD compares: South Asian, 0.0011%; no homozygotes.

Submission:

Ambry Genetics
Classification: Uncertain significance for Hereditary pancreatitis. Last evaluated: 2025-06-22. Review status: criteria provided, single submitter. Criteria: Ambry Variant Classification Scheme 2023. Collection method: clinical testing. Allele origin: germline.
Comment: The p.S342A variant (also known as c.1024T>G), located in coding exon 9 of the CPA1 gene, results from a T to G substitution at nucleotide position 1024. The serine at codon 342 is replaced by alanine, an amino acid with similar properties. This amino acid position is conserved. In addition, this alteration is predicted to be tolerated by in silico analysis. Based on the available evidence, the clinical significance of this variant remains unclear.

NM_001868.4(CPA1):c.1024T>G (p.Ser342Ala)

Gene: CPA1 (carboxypeptidase A1; plus strand). Cytogenetic location: 7q32.2.
Variant type: single nucleotide variant.
Coding change: c.1024T>G on transcript NM_001868.4 (MANE Select); coding-DNA position 1024, T replaced by G.
Protein change: p.Ser342Ala; replaces serine 342 with alanine.
Molecular consequence: missense variant.
Genome position (GRCh38, 1-based): chr7:130,385,875, T>G. VCF-style: chr7-130385875-T-G. GRCh37 (hg19) VCF-style: chr7-130025716-T-G.
Other names: short protein forms S342A.
Identifiers: ClinVar variation 4233079 (VCV004233079.1).
Genomic context (GRCh38, chr7:130,385,875, plus strand): 5'-GGCTTTGCTTGGTGTTTTGTCCAGGATCAGCTTTCCAAGGCTGCTGTGACAGCCCTGGCC[T>G]CTCTCTACGGGACCAAGTTCAACTATGGCAGCATCATCAAGGCAATTTGTAAGTGGCCGT-3'
Protein context (NP_001859.1, residues 332-352): LSKAAVTALA[Ser342Ala]LYGTKFNYGS